The following is an entry in ClinVar:

ClinVar aggregate classification (germline): Uncertain significance. Review status: criteria provided, multiple submitters, no conflicts (2 of 4 stars). 4 submissions from 4 submitters: Uncertain significance (4). Last evaluated 2026-03-27.

Conditions:
Inborn genetic diseases. Identifiers: MedGen C0950123, MeSH D030342.
Dystonia 5 (DRD). Also called: DYSTONIA, PROGRESSIVE, WITH DIURNAL VARIATION; DYSTONIA-PARKINSONISM WITH DIURNAL FLUCTUATION; Dystonia, DOPA-responsive, with or without hyperphenylalaninemia; DYT-GCH1; GTP Cyclohydrolase 1-Deficient Dopa-Responsive Dystonia. Identifiers: Orphanet 98808, MedGen C1851920, MONDO:0007495, OMIM 128230.
GTP cyclohydrolase I deficiency. Identifiers: MedGen C0268467, MONDO:0100184.

Allele frequency attached by ClinVar (database versions not stated): TOPMed 0.00002; gnomAD 0.00001.
gnomAD v4.1: 22 of 1,483,118 alleles (0.0015%); highest among the groups gnomAD compares: Non-Finnish European, 0.0019%; no homozygotes.

Submissions (4):

Dasa
Classification: Uncertain significance. Last evaluated: 2026-03-27. Review status: criteria provided, single submitter. Criteria: DASA Assertion Criteria. Collection method: clinical testing. Allele origin: germline.
Comment: NM_000161.3(GCH1):c.22G>A (p.Ala8Thr) is a missense variant that results in the substitution of alanine with threonine. This variant is rare in population databases. The currently available literature and clinical evidence are not sufficient to establish a definitive association between this variant and the reported condition. Therefore, this variant is classified as a variant of uncertain significance.

Labcorp Genetics (formerly Invitae), Labcorp
Classification: Uncertain significance for GTP cyclohydrolase I deficiency; Dystonia 5. Last evaluated: 2024-07-25. Review status: criteria provided, single submitter. Criteria: Invitae Variant Classification Sherloc (09022015). Collection method: clinical testing. Allele origin: germline.
Comment: This sequence change replaces alanine, which is neutral and non-polar, with threonine, which is neutral and polar, at codon 8 of the GCH1 protein (p.Ala8Thr). The frequency data for this variant in the population databases is considered unreliable, as metrics indicate poor data quality at this position in the gnomAD database. This variant has not been reported in the literature in individuals affected with GCH1-related conditions. ClinVar contains an entry for this variant (Variation ID: 585905). Advanced modeling of protein sequence and biophysical properties (such as structural, functional, and spatial information, amino acid conservation, physicochemical variation, residue mobility, and thermodynamic stability) performed at Invitae indicates that this missense variant is not expected to disrupt GCH1 protein function with a negative predictive value of 95%. In summary, the available evidence is currently insufficient to determine the role of this variant in disease. Therefore, it has been classified as a Variant of Uncertain Significance.

Ambry Genetics
Classification: Uncertain significance for Inborn genetic diseases. Last evaluated: 2023-12-20. Review status: criteria provided, single submitter. Criteria: Ambry Variant Classification Scheme 2023. Collection method: clinical testing. Allele origin: germline.

Athena Diagnostics
Classification: Uncertain significance. Last evaluated: 2018-07-09. Review status: criteria provided, single submitter. Criteria: Athena Diagnostics Criteria. Collection method: clinical testing. Allele origin: germline.

NM_000161.3(GCH1):c.22G>A (p.Ala8Thr)

Genes: GCH1 (GTP cyclohydrolase 1; minus strand), LOC130055692 (ATAC-STARR-seq lymphoblastoid silent region 5776; plus strand). Cytogenetic location: 14q22.2.
Variant type: single nucleotide variant.
Coding change: c.22G>A on transcript NM_000161.3 (MANE Select); coding-DNA position 22, G replaced by A.
Protein change: p.Ala8Thr; replaces alanine 8 with threonine.
Molecular consequence: missense variant.
Genome position (GRCh38, 1-based): chr14:54,902,642, C>T on the plus strand (G>A on the coding strand, the complement: GCH1 is on the minus strand). VCF-style: chr14-54902642-C-T. GRCh37 (hg19) VCF-style: chr14-55369360-C-T.
Other names: c.22G>A, p.Ala8Thr (NM_001024024.2, NM_001024070.2, NM_001024071.2); short protein forms A8T.
Identifiers: ClinVar variation 585905 (VCV000585905.13), dbSNP rs529381971, ClinGen allele CA260531807.
Genomic context (GRCh38, chr14:54,902,642, plus strand): 5'-GCGGATCCCGCTCGGGGAACCCATTGCTGCACCTGGCGCCCCGCGGCTTCTCCGCCGGTG[C>T]CCGCACAGGGCCCTTCTCCATGGACCCGCCGCAGCCGCTGCCGTTCGGGAAGGACCCCGG-3'
Protein context (NP_000152.1, residues 1-18): MEKGPVR[Ala8Thr]PAEKPRGARC